The following is an entry in ClinVar:

NM_001080414.4(CCDC88C):c.2629G>A (p.Ala877Thr)

Gene: CCDC88C (coiled-coil domain containing 88C; minus strand). Cytogenetic location: 14q32.11.
Variant type: single nucleotide variant.
Coding change: c.2629G>A on transcript NM_001080414.4 (MANE Select); coding-DNA position 2629, G replaced by A.
Protein change: p.Ala877Thr; replaces alanine 877 with threonine.
Molecular consequence: missense variant.
Genome position (GRCh38, 1-based): chr14:91,313,187, C>T on the plus strand (G>A on the coding strand, the complement: CCDC88C is on the minus strand). VCF-style: chr14-91313187-C-T. GRCh37 (hg19) VCF-style: chr14-91779531-C-T.
Other names: short protein forms A877T.
Identifiers: ClinVar variation 1723537 (VCV001723537.2), dbSNP rs2544387966, ClinGen allele CA390629643.
Genomic context (GRCh38, chr14:91,313,187, plus strand): 5'-TGAGGTCCCGGTTGTCCTTCTCCAGCTCCTTCAGCTTGCCGGCTGCGTCCCTGCAGCGGG[C>T]CAGCTCCTTGTCCAGCGCGCGGCTCTCCTTCTCAACGGCGGACAGTTTGGCAGTGCTATC-3'
Protein context (NP_001073883.2, residues 867-887): KESRALDKEL[Ala877Thr]RCRDAAGKLK

ClinVar aggregate classification (germline): Uncertain significance (1 of 4 stars; one submission).

Submission:

GeneDx
Classification: Uncertain significance. Last evaluated: 2022-05-13. Review status: criteria provided, single submitter. Criteria: GeneDx Variant Classification Process June 2021. Collection method: clinical testing. Allele origin: germline. Affected: yes.
Comment: Not observed at significant frequency in large population cohorts (gnomAD); In silico analysis supports that this missense variant does not alter protein structure/function; Has not been previously published as pathogenic or benign to our knowledge